The following is an entry in ClinVar:

NM_001349253.2(SCN11A):c.782del (p.Phe261fs)

Gene: SCN11A (sodium voltage-gated channel alpha subunit 11; minus strand). Cytogenetic location: 3p22.2.
Variant type: Deletion.
Coding change: c.782del on transcript NM_001349253.2 (MANE Select); coding-DNA position 782, one base deleted (T; older notation c.782delT).
Protein change: p.Phe261fs; shifts the reading frame from phenylalanine 261.
Molecular consequence: frameshift variant.
Genome position (GRCh38, 1-based): chr3:38,921,186, A deleted on the plus strand (T on the coding strand, the reverse complement: SCN11A is on the minus strand); the first of 2 consecutive A bases (chr3:38,921,186-38,921,187); deleting either gives the same sequence. VCF-style (leftmost placement, unchanged base first): chr3-38921185-GA-G. GRCh37 (hg19) VCF-style: chr3-38962676-GA-G.
Other names: c.782delT (NM_014139.2); c.782del, p.Phe261fs (NM_014139.3); short protein forms F261fs.
Identifiers: ClinVar variation 418472 (VCV000418472.7), dbSNP rs1064793259, ClinGen allele CA16617962.

ClinVar aggregate classification (germline): Uncertain significance. Review status: criteria provided, multiple submitters, no conflicts (2 of 4 stars). 2 submissions from 2 submitters: Uncertain significance (2). Last evaluated 2025-05-18.

Conditions:
Hereditary sensory and autonomic neuropathy type 7. Also called: HSAN VII; Neuropathy, hereditary sensory and autonomic, type VII. Identifiers: Orphanet 391397, MedGen C3809882, MONDO:0014244, OMIM 615548.
Familial episodic pain syndrome with predominantly lower limb involvement. Also called: Episodic pain syndrome, familial, 3. Identifiers: Orphanet 391384, Orphanet 391392, MedGen C3809899, MONDO:0014247, OMIM 615552.

Submissions (2):

Labcorp Genetics (formerly Invitae), Labcorp
Classification: Uncertain significance for Familial episodic pain syndrome with predominantly lower limb involvement; Hereditary sensory and autonomic neuropathy type 7. Last evaluated: 2025-05-18. Review status: criteria provided, single submitter. Criteria: Invitae Variant Classification Sherloc (09022015). Collection method: clinical testing. Allele origin: germline.
Comment: This sequence change creates a premature translational stop signal (p.Phe261Serfs*10) in the SCN11A gene. It is expected to result in an absent or disrupted protein product. However, the current clinical and genetic evidence is not sufficient to establish whether loss-of-function variants in SCN11A cause disease. This variant is not present in population databases (gnomAD no frequency). This variant has not been reported in the literature in individuals affected with SCN11A-related conditions. ClinVar contains an entry for this variant (Variation ID: 418472). In summary, the available evidence is currently insufficient to determine the role of this variant in disease. Therefore, it has been classified as a Variant of Uncertain Significance.

GeneDx
Classification: Uncertain significance. Last evaluated: 2017-03-13. Review status: criteria provided, single submitter. Criteria: GeneDx Variant Classification (06012015). Collection method: clinical testing. Allele origin: germline. Affected: yes.
Comment: The c.782delT variant in the SCN11A gene has not been reported previously as a pathogenic variant nor as a benign variant, to our knowledge. The c.782delT variant causes a frameshift starting with codon Phenylalanine 261, changes this amino acid to a Serine residue, and creates a premature Stop codon at position 10 of the new reading frame, denoted p.Phe261SerfsX10. This variant is predicted to cause loss of normal protein function either through protein truncation or nonsense-mediated mRNA decay. The c.782delT variant is not observed in large population cohorts (Lek et al., 2016; 1000 Genomes Consortium et al., 2015; Exome Variant Server). We interpret c.782delT as a variant of uncertain significance.